The following is an entry in ClinVar:

NM_000191.3(HMGCL):c.250C>T (p.Gln84Ter)

Gene: HMGCL (3-hydroxy-3-methylglutaryl-CoA lyase; minus strand). Cytogenetic location: 1p36.11.
Variant type: single nucleotide variant.
Coding change: c.250C>T on transcript NM_000191.3 (MANE Select); coding-DNA position 250, C replaced by T.
Protein change: p.Gln84Ter; replaces glutamine 84 with a stop codon.
Molecular consequence: nonsense.
Genome position (GRCh38, 1-based): chr1:23,817,478, G>A on the plus strand (C>T on the coding strand, the complement: HMGCL is on the minus strand). VCF-style: chr1-23817478-G-A. GRCh37 (hg19) VCF-style: chr1-24143968-G-A.
Other names: c.250C>T, p.Gln84Ter (NM_001166059.2); short protein forms Q84*.
Identifiers: ClinVar variation 1993106 (VCV001993106.6), dbSNP rs2521458985, ClinGen allele CA339028938.

ClinVar aggregate classification (germline): Pathogenic. Review status: criteria provided, multiple submitters, no conflicts (2 of 4 stars). 2 submissions from 2 submitters: Pathogenic (2). Last evaluated 2025-01-30.

Conditions:
Deficiency of hydroxymethylglutaryl-CoA lyase (HMGCLD). Also called: HMGCL DEFICIENCY; HYDROXYMETHYLGLUTARIC ACIDURIA; Defect in leucine metabolism; 3-hydroxy-3-methylglutaric aciduria; HMG-CoA LYASE DEFICIENCY. Identifiers: Orphanet 20, MedGen C1533587, MONDO:0009520, OMIM 246450.

Submissions (2):

Myriad Genetics, Inc.
Classification: Pathogenic for Deficiency of hydroxymethylglutaryl-CoA lyase. Last evaluated: 2025-01-30. Review status: criteria provided, single submitter. Criteria: Myriad Autosomal Dominant, Autosomal Recessive and X-Linked Classification Criteria (2023). Collection method: clinical testing. Allele origin: unknown.
Comment: NM_000191.2(HMGCL):c.250C>T(Q84*) is expected to be pathogenic in the context of HMG-CoA lyase deficiency. This variant is predicted to lead to an abnormal or absent protein product due to the creation of a premature termination codon in HMGCL, a gene where loss-of-function variants are known to be pathogenic. Please note: this variant was assessed in the context of healthy population screening.

Labcorp Genetics (formerly Invitae), Labcorp
Classification: Pathogenic for Deficiency of hydroxymethylglutaryl-CoA lyase. Last evaluated: 2023-02-18. Review status: criteria provided, single submitter. Criteria: Invitae Variant Classification Sherloc (09022015). Collection method: clinical testing. Allele origin: germline.
Comment: This sequence change creates a premature translational stop signal (p.Gln84*) in the HMGCL gene. It is expected to result in an absent or disrupted protein product. Loss-of-function variants in HMGCL are known to be pathogenic (PMID: 9817922, 17692550, 23465862). This variant is not present in population databases (gnomAD no frequency). This variant has not been reported in the literature in individuals affected with HMGCL-related conditions. Algorithms developed to predict the effect of sequence changes on RNA splicing suggest that this variant may disrupt the consensus splice site. For these reasons, this variant has been classified as Pathogenic.

Literature cited by the submitters: PubMed 9817922 (cited by Labcorp Genetics (formerly Invitae), Labcorp); PubMed 17692550 (cited by Labcorp Genetics (formerly Invitae), Labcorp); PubMed 23465862 (cited by Labcorp Genetics (formerly Invitae), Labcorp).